The following is an entry in ClinVar:

ClinVar aggregate classification (germline): Pathogenic/Likely pathogenic. Review status: criteria provided, multiple submitters, no conflicts (2 of 4 stars). 3 submissions from 3 submitters: Pathogenic (2); Likely pathogenic (1). Last evaluated 2025-11-06.

Conditions:
Autosomal recessive limb-girdle muscular dystrophy type 2C (LGMDR5). Also called: MUSCULAR DYSTROPHY, LIMB-GIRDLE, AUTOSOMAL RECESSIVE 5; MUSCULAR DYSTROPHY, DUCHENNE-LIKE. Identifiers: Orphanet 353, MedGen C0410173, MONDO:0009677, OMIM 253700. Disease mechanism: Affects gamma-sarcoglycan and also disrupts the integrity of the entire sarcoglycan complex..

gnomAD v4.1: 5 of 1,529,822 alleles (0.00033%); highest among the groups gnomAD compares: South Asian, 0.0058%; no homozygotes.

Submissions (3):

Natera, Inc.
Classification: Pathogenic for Limb-girdle muscular dystrophy type 2C. Last evaluated: 2025-11-06. Review status: criteria provided, single submitter. Criteria: Natera Variant Classification Schema (03/2026). Collection method: clinical testing. Allele origin: germline.
Comment: The c.581T>G variant in SGCG is a nonsense variant predicted to introduce a stop codon at amino acid 194. This variant is expected to result in nonsense mediated decay, truncation, or a dysfunctional protein product. This variant is rare in the general population with a frequency below the threshold expected for the associated phenotype(s). This variant has been observed in one or more individuals affected with the associated recessive disease, as either homozygous or compound heterozygous with a second variant (PMID: 28687063). Given the available evidence, this variant is classified as Pathogenic.

Labcorp Genetics (formerly Invitae), Labcorp
Classification: Pathogenic for Autosomal recessive limb-girdle muscular dystrophy type 2C. Last evaluated: 2024-02-16. Review status: criteria provided, single submitter. Criteria: Invitae Variant Classification Sherloc (09022015). Collection method: clinical testing. Allele origin: germline.
Comment: This sequence change creates a premature translational stop signal (p.Leu194*) in the SGCG gene. It is expected to result in an absent or disrupted protein product. Loss-of-function variants in SGCG are known to be pathogenic (PMID: 18285821). This variant is not present in population databases (gnomAD no frequency). This premature translational stop signal has been observed in individual(s) with clinical features of limb-girdle muscular dystrophy (PMID: 28687063). ClinVar contains an entry for this variant (Variation ID: 1691313). For these reasons, this variant has been classified as Pathogenic.

Diagnostics Services (NGS), CSIR - Centre For Cellular And Molecular Biology
Classification: Likely pathogenic for Autosomal recessive limb-girdle muscular dystrophy type 2C. Last evaluated: 2022-05-18. Review status: criteria provided, single submitter. Criteria: ACMG Guidelines, 2015. Collection method: clinical testing. Allele origin: germline. Inheritance: Autosomal recessive inheritance. Affected: yes. Observed: 1 variant allele, 1 homozygote.
Comment: The c.581T>G variant is not present in publicly available population databases like 1000 Genomes, EVS, ExAC, gnomAD and Indian Exome Database. The variant is not present in our in-house exome database. The variant was not previously reported to ClinVar, HGMD and/or OMIM databases in any affected individuals. In-silico pathogenicity prediction programs like MutationTaster2, CADD, Varsome, InterVar etc. predicted this variant to be likely deleterious. A missense variant in the same position (c.581T>C, p.Leu194Ser) was earlier observed in patients affected with limb-girdle muscular dystrophy (PMID: 9673983, 19770540, 22095924) and reported to ClinVar (Accession: VCV000281085.15) and HGMD (ID: CM011483) as pathogenic/likely pathogenic. The c.581T>C variant has been reported to affect SGCG protein function (PMID: 22095924).

Literature cited by the submitters: PubMed 28687063 (cited by Natera, Inc. and Labcorp Genetics (formerly Invitae), Labcorp); PubMed 18285821 (cited by Labcorp Genetics (formerly Invitae), Labcorp); PubMed 9673983 (cited by Diagnostics Services (NGS), CSIR - Centre For Cellular And Molecular Biology); PubMed 19770540 (cited by Diagnostics Services (NGS), CSIR - Centre For Cellular And Molecular Biology); PubMed 22095924 (cited by Diagnostics Services (NGS), CSIR - Centre For Cellular And Molecular Biology).

NM_000231.3(SGCG):c.581T>G (p.Leu194Ter)

Gene: SGCG (sarcoglycan gamma; plus strand). Cytogenetic location: 13q12.12.
Variant type: single nucleotide variant.
Coding change: c.581T>G on transcript NM_000231.3 (MANE Select); coding-DNA position 581, T replaced by G.
Protein change: p.Leu194Ter; replaces leucine 194 with a stop codon.
Molecular consequence: nonsense.
Genome position (GRCh38, 1-based): chr13:23,320,639, T>G. VCF-style: chr13-23320639-T-G. GRCh37 (hg19) VCF-style: chr13-23894778-T-G.
Other names: c.635T>G, p.Leu212Ter (NM_001378244.1); c.581T>G, p.Leu194Ter (NM_001378245.1, NM_001378246.1); c.581T>G (NM_000231.2); short protein forms L194*, L212*.
Identifiers: ClinVar variation 1691313 (VCV001691313.11), dbSNP rs547818652, ClinGen allele CA387502439.